The following is an entry in ClinVar:

ClinVar aggregate classification (germline): Benign/Likely benign. Review status: criteria provided, multiple submitters, no conflicts (2 of 4 stars). 5 submissions from 5 submitters: Benign (3); Likely benign (1). 1 of the submissions does not count toward it. Last evaluated 2026-01-19.

Conditions:
UMOD-related disorder. Also called: UMOD-related condition.
Kidney disorder. Also called: Nephropathy; renal disorder; renal disease; Kidney disease; Kidney Diseases. Identifiers: MedGen C0022658, MONDO:0005240, HP:0000112.

Allele frequency attached by ClinVar (database versions not stated): TOPMed 0.00094; 1000 Genomes Project 30x 0.00593; 1000 Genomes Project 0.00579; ExAC 0.01963; ESP Exome Variant Server 0.00055; gnomAD 0.00083.
gnomAD v4.1: 4,593 of 1,550,560 alleles (0.3%); highest among the groups gnomAD compares: South Asian, 3.4%; 69 homozygotes.

Submissions (5):

Labcorp Genetics (formerly Invitae), Labcorp
Classification: Benign. Last evaluated: 2026-01-19. Review status: criteria provided, single submitter. Criteria: Invitae Variant Classification Sherloc (09022015). Collection method: clinical testing. Allele origin: germline.

Mayo Clinic Laboratories, Mayo Clinic
Classification: Benign. Last evaluated: 2024-01-02. Review status: criteria provided, single submitter. Criteria: ACMG Guidelines, 2015. Collection method: clinical testing. Allele origin: germline. Observed: 2 variant alleles.
Comment: BA1, BS2, BP4

Genome Diagnostics Laboratory, The Hospital for Sick Children
Classification: Likely benign for Kidney disorder. Last evaluated: 2018-06-01. Review status: criteria provided, single submitter. Criteria: ACMG Guidelines, 2015. Collection method: clinical testing. Allele origin: germline.

Breakthrough Genomics
Classification: Benign. Review status: criteria provided, single submitter. Criteria: ACMG Guidelines, 2015. Collection method: not provided. Allele origin: germline. Inheritance: Autosomal dominant inheritance. Affected: yes.

PreventionGenetics, part of Exact Sciences
Classification: Benign for UMOD-related condition. Last evaluated: 2019-03-08. Review status: no assertion criteria provided. Collection method: clinical testing. Allele origin: germline. Not counted in ClinVar's aggregate classification.
Comment: This variant is classified as benign based on ACMG/AMP sequence variant interpretation guidelines (Richards et al. 2015 PMID: 25741868, with internal and published modifications).

NM_003361.4(UMOD):c.425G>A (p.Arg142Gln)

Gene: UMOD (uromodulin; minus strand). Cytogenetic location: 16p12.3.
Variant type: single nucleotide variant.
Coding change: c.425G>A on transcript NM_003361.4 (MANE Select); coding-DNA position 425, G replaced by A.
Protein change: p.Arg142Gln; replaces arginine 142 with glutamine.
Molecular consequence: missense variant. On other transcripts: non-coding transcript variant (1).
Genome position (GRCh38, 1-based): chr16:20,348,876, C>T on the plus strand (G>A on the coding strand, the complement: UMOD is on the minus strand). VCF-style: chr16-20348876-C-T. GRCh37 (hg19) VCF-style: chr16-20360198-C-T.
Other names: p.Arg142Gln; c.425G>A, p.Arg142Gln (NM_001008389.3, NM_001378232.1, NM_001378233.1 and 3 more transcripts); c.524G>A, p.Arg175Gln (NM_001278614.2); short protein forms R142Q, R175Q.
Identifiers: ClinVar variation 318296 (VCV000318296.22), dbSNP rs199835347, ClinGen allele CA7939450.
Genomic context (GRCh38, chr16:20,348,876, plus strand): 5'-ACGCAGTCCAACCCCGGCCCGCAGGAGCCCGGGGAGCACTCACAGTGCCATCCATCCCCC[C>T]GGTAGCCCGCGGGGCATACGCACAAGTAGCTGCCCACCACATTGACACATGTGGCCAGGG-3'
Protein context (NP_003352.2, residues 132-152): SYLCVCPAGY[Arg142Gln]GDGWHCECSP